The following is an entry in ClinVar:

ClinVar aggregate classification (germline): Uncertain significance (1 of 4 stars; one submission).

Conditions:
RAI1-related disorder. Also called: RAI1-related condition.

gnomAD v4.1: 1 of 1,613,400 alleles (0.000062%); highest among the groups gnomAD compares: Non-Finnish European, 0.000085%; no homozygotes.

Submission:

PreventionGenetics, part of Exact Sciences
Classification: Uncertain significance for RAI1-related condition. Last evaluated: 2024-12-03. Review status: criteria provided, single submitter. Criteria: ACMG Guidelines, 2015. Collection method: clinical testing. Allele origin: germline.
Comment: The RAI1 c.3964C>T variant is predicted to result in the amino acid substitution p.Arg1322Trp. To our knowledge, this variant has not been reported in the literature or in a large population database (gnomAD), indicating this variant is rare. At this time, the clinical significance of this variant is uncertain due to the absence of conclusive functional and genetic evidence.

NM_030665.4(RAI1):c.3964C>T (p.Arg1322Trp)

Gene: RAI1 (retinoic acid induced 1; plus strand). Cytogenetic location: 17p11.2.
Variant type: single nucleotide variant.
Coding change: c.3964C>T on transcript NM_030665.4 (MANE Select); coding-DNA position 3964, C replaced by T.
Protein change: p.Arg1322Trp; replaces arginine 1322 with tryptophan.
Molecular consequence: missense variant.
Genome position (GRCh38, 1-based): chr17:17,796,912, C>T. VCF-style: chr17-17796912-C-T. GRCh37 (hg19) VCF-style: chr17-17700226-C-T.
Other names: short protein forms R1322W.
Identifiers: ClinVar variation 5001197 (VCV005001197.1).